The following is an entry in ClinVar:

NM_001077525.3(MTMR14):c.1416G>A (p.Ala472=)

Gene: MTMR14 (myotubularin related protein 14; plus strand). Cytogenetic location: 3p25.3.
Variant type: single nucleotide variant.
Coding change: c.1416G>A on transcript NM_001077525.3 (MANE Select); coding-DNA position 1416, G replaced by A.
Protein change: p.Ala472=; no amino-acid change (alanine 472 retained).
Molecular consequence: synonymous variant. On other transcripts: non-coding transcript variant (9).
Genome position (GRCh38, 1-based): chr3:9,689,065, G>A. VCF-style: chr3-9689065-G-A. GRCh37 (hg19) VCF-style: chr3-9730749-G-A.
Other names: c.1416G>A (NM_022485.4); c.555G>A, p.Ala185= (NM_001400548.1, NM_001400550.1, NM_001400544.1 and 1 more transcripts); c.699G>A, p.Ala233= (NM_001400549.1, NM_001400538.1); c.1416G>A, p.Ala472= (NM_022485.5, NM_001077526.3); c.1134G>A, p.Ala378= (NM_001400529.1, NM_001400532.1, NM_001400525.1); c.1170G>A, p.Ala390= (NM_001400530.1, NM_001400524.1, NM_001400527.1); c.1167G>A, p.Ala389= (NM_001400531.1); c.774G>A, p.Ala258= (NM_001400533.1, NM_001400534.1, NM_001400535.1 and 7 more transcripts); and 6 more.
Identifiers: ClinVar variation 2720712 (VCV002720712.5), dbSNP rs368549479, ClinGen allele CA2240751.

ClinVar aggregate classification (germline): Likely benign. Review status: criteria provided, single submitter (1 of 4 stars). 2 submissions from 2 submitters: Likely benign (1). 1 of the submissions does not count toward it. Last evaluated 2024-05-10.

Conditions:
MTMR14-related disorder. Also called: MTMR14-related condition.

Allele frequency attached by ClinVar (database versions not stated): gnomAD 0.00001; TOPMed 0.00001; gnomAD exomes 0.00003; ExAC 0.00005; ESP Exome Variant Server 0.00008.
gnomAD v4.1: 49 of 1,612,202 alleles (0.003%); highest among the groups gnomAD compares: South Asian, 0.048%; no homozygotes.

Submissions (2):

Labcorp Genetics (formerly Invitae), Labcorp
Classification: Likely benign. Last evaluated: 2024-05-10. Review status: criteria provided, single submitter. Criteria: Invitae Variant Classification Sherloc (09022015). Collection method: clinical testing. Allele origin: germline.

PreventionGenetics, part of Exact Sciences
Classification: Likely benign for MTMR14-related condition. Last evaluated: 2019-08-09. Review status: no assertion criteria provided. Collection method: clinical testing. Allele origin: germline. Not counted in ClinVar's aggregate classification.
Comment: This variant is classified as likely benign based on ACMG/AMP sequence variant interpretation guidelines (Richards et al. 2015 PMID: 25741868, with internal and published modifications).